The following is an entry in ClinVar:

ClinVar aggregate classification (germline): Uncertain significance. Review status: criteria provided, multiple submitters, no conflicts (2 of 4 stars). 2 submissions from 2 submitters: Uncertain significance (2). Last evaluated 2024-11-24.

Conditions:
Severe combined immunodeficiency due to LCK deficiency. Also called: Immunodeficiency 22. Identifiers: Orphanet 280142, MedGen C4014233, MONDO:0014334, OMIM 615758.

Allele frequency attached by ClinVar (database versions not stated): ExAC 0.00001; gnomAD exomes 0.00001; TOPMed 0.00002; gnomAD 0.00003 and 0.00004.
gnomAD v4.1: 21 of 1,614,034 alleles (0.0013%); highest among the groups gnomAD compares: South Asian, 0.0044%; no homozygotes.

Submissions (2):

Ambry Genetics
Classification: Uncertain significance. Last evaluated: 2024-11-24. Review status: criteria provided, single submitter. Criteria: Ambry Variant Classification Scheme 2023. Collection method: clinical testing. Allele origin: germline.

Labcorp Genetics (formerly Invitae), Labcorp
Classification: Uncertain significance for Severe combined immunodeficiency due to LCK deficiency. Last evaluated: 2020-01-05. Review status: criteria provided, single submitter. Criteria: Invitae Variant Classification Sherloc (09022015). Collection method: clinical testing. Allele origin: germline.
Comment: In summary, the available evidence is currently insufficient to determine the role of this variant in disease. Therefore, it has been classified as a Variant of Uncertain Significance. Algorithms developed to predict the effect of missense changes on protein structure and function (SIFT, PolyPhen-2, Align-GVGD) all suggest that this variant is likely to be disruptive, but these predictions have not been confirmed by published functional studies and their clinical significance is uncertain. This variant has not been reported in the literature in individuals with LCK-related conditions. This variant is present in population databases (rs767406314, ExAC 0.001%). This sequence change replaces aspartic acid with glycine at codon 187 of the LCK protein (p.Asp187Gly). The aspartic acid residue is highly conserved and there is a moderate physicochemical difference between aspartic acid and glycine.

NM_005356.5(LCK):c.560A>G (p.Asp187Gly)

Gene: LCK (LCK proto-oncogene, Src family tyrosine kinase; plus strand). Cytogenetic location: 1p35.2.
Variant type: single nucleotide variant.
Coding change: c.560A>G on transcript NM_005356.5 (MANE Select); coding-DNA position 560, A replaced by G.
Protein change: p.Asp187Gly; replaces aspartic acid 187 with glycine.
Molecular consequence: missense variant.
Genome position (GRCh38, 1-based): chr1:32,275,992, A>G. VCF-style: chr1-32275992-A-G. GRCh37 (hg19) VCF-style: chr1-32741593-A-G.
Other names: c.560A>G, p.Asp187Gly (NM_001042771.3, NM_001330468.2); c.560A>G (NM_005356.3); short protein forms D187G.
Identifiers: ClinVar variation 1036260 (VCV001036260.9), dbSNP rs767406314, ClinGen allele CA741135.